The following is an entry in ClinVar:

NM_033380.3(COL4A5):c.4543T>C (p.Cys1515Arg)

Gene: COL4A5 (collagen type IV alpha 5 chain; plus strand). Cytogenetic location: Xq22.3.
Variant type: single nucleotide variant.
Coding change: c.4543T>C on transcript NM_033380.3 (MANE Select); coding-DNA position 4543, T replaced by C.
Protein change: p.Cys1515Arg; replaces cysteine 1515 with arginine.
Molecular consequence: missense variant.
Genome position (GRCh38, 1-based): chrX:108,692,762, T>C. VCF-style: chrX-108692762-T-C. GRCh37 (hg19) VCF-style: chrX-107935992-T-C.
Other names: c.4525T>C, p.Cys1509Arg (NM_000495.5); short protein forms C1509R, C1515R.
Identifiers: ClinVar variation 3894575 (VCV003894575.2).

ClinVar aggregate classification (germline): Conflicting classifications of pathogenicity. Review status: criteria provided, conflicting classifications (1 of 4 stars). 2 submissions from 2 submitters: Likely pathogenic (1); Uncertain significance (1). Last evaluated 2025-03-25.

Conditions:
X-linked Alport syndrome (ATS1). Also called: NEPHROPATHY AND DEAFNESS, X-LINKED; COL4A5-Related Nephropathy. Identifiers: Orphanet 63, Orphanet 88917, MedGen C4746986, MONDO:0010520, OMIM 301050.

Submissions (2):

MVZ Medizinische Genetik Mainz
Classification: Likely pathogenic for X-linked Alport syndrome. Last evaluated: 2025-03-25. Review status: criteria provided, single submitter. Criteria: UK Practice Guidelines For Variant Classification V4 01 2020. Collection method: clinical testing. Allele origin: germline. Inheritance: X-linked dominant inheritance. Affected: yes. Observed: 1 variant allele.
Comment: ACMG Criteria: PP3_STR,PS4_MOD,PM2_SUP,PP4

Bioscientia Institut fuer Medizinische Diagnostik GmbH, Sonic Healthcare
Classification: Uncertain significance for X-linked Alport syndrome. Last evaluated: 2025-03-10. Review status: criteria provided, single submitter. Criteria: ACMG Guidelines, 2015. Collection method: clinical testing. Allele origin: germline. Affected: yes.